The following is an entry in ClinVar:

NM_004958.4(MTOR):c.5714+3A>G

Gene: MTOR (mechanistic target of rapamycin kinase; minus strand). Cytogenetic location: 1p36.22.
Variant type: single nucleotide variant.
Coding change: c.5714+3A>G on transcript NM_004958.4 (MANE Select); 3 bases into the intron after coding-DNA position 5714, A replaced by G.
Molecular consequence: intron variant.
Genome position (GRCh38, 1-based): chr1:11,129,735, T>C on the plus strand (A>G on the coding strand, the complement: MTOR is on the minus strand). VCF-style: chr1-11129735-T-C. GRCh37 (hg19) VCF-style: chr1-11189792-T-C.
Other names: c.4466+3A>G (NM_001386501.1); c.5714+3A>G (NM_001386500.1).
Identifiers: ClinVar variation 2841022 (VCV002841022.3), dbSNP rs2100423255, ClinGen allele CA2695372672.

ClinVar aggregate classification (germline): Uncertain significance (1 of 4 stars; one submission).

Submission:

Labcorp Genetics (formerly Invitae), Labcorp
Classification: Uncertain significance. Last evaluated: 2023-02-26. Review status: criteria provided, single submitter. Criteria: Invitae Variant Classification Sherloc (09022015). Collection method: clinical testing. Allele origin: germline.
Comment: In summary, the available evidence is currently insufficient to determine the role of this variant in disease. Therefore, it has been classified as a Variant of Uncertain Significance. Variants that disrupt the consensus splice site are a relatively common cause of aberrant splicing (PMID: 17576681, 9536098). Algorithms developed to predict the effect of sequence changes on RNA splicing suggest that this variant may disrupt the consensus splice site. This variant has not been reported in the literature in individuals affected with MTOR-related conditions. This variant is not present in population databases (gnomAD no frequency). This sequence change falls in intron 40 of the MTOR gene. It does not directly change the encoded amino acid sequence of the MTOR protein. It affects a nucleotide within the consensus splice site.

Literature cited by the submitters: PubMed 17576681; PubMed 9536098.